The following is an entry in ClinVar:

ClinVar aggregate classification (germline): Uncertain significance (1 of 4 stars; one submission).

Conditions:
Cardiovascular phenotype. Identifiers: MedGen CN230736.

Submission:

Ambry Genetics
Classification: Uncertain significance for Cardiovascular phenotype. Last evaluated: 2025-12-16. Review status: criteria provided, single submitter. Criteria: Ambry Variant Classification Scheme 2023. Collection method: clinical testing. Allele origin: germline.
Comment: The p.Y85C variant (also known as c.254A>G), located in coding exon 3 of the EMD gene, results from an A to G substitution at nucleotide position 254. The tyrosine at codon 85 is replaced by cysteine, an amino acid with highly dissimilar properties. This amino acid position is conserved. In addition, the in silico prediction for this alteration is inconclusive. Based on the available evidence, the clinical significance of this variant remains unclear.

NM_000117.3(EMD):c.254A>G (p.Tyr85Cys)

Gene: EMD (emerin; plus strand). Cytogenetic location: Xq28.
Variant type: single nucleotide variant.
Coding change: c.254A>G on transcript NM_000117.3 (MANE Select); coding-DNA position 254, A replaced by G.
Protein change: p.Tyr85Cys; replaces tyrosine 85 with cysteine.
Molecular consequence: missense variant.
Genome position (GRCh38, 1-based): chrX:154,380,008, A>G. VCF-style: chrX-154380008-A-G. GRCh37 (hg19) VCF-style: chrX-153608368-A-G.
Other names: short protein forms Y85C.
Identifiers: ClinVar variation 4843063 (VCV004843063.1).